The following is an entry in ClinVar:

ClinVar aggregate classification (germline): Uncertain significance (1 of 4 stars; one submission).

Conditions:
Ehlers-Danlos syndrome, classic type, 1 (EDSCL1). Also called: EHLERS-DANLOS SYNDROME, GRAVIS TYPE; EHLERS-DANLOS SYNDROME, SEVERE CLASSIC TYPE; Ehlers-Danlos syndrome, type 1; Ehlers-Danlos Syndrome, Classic Type, COL5A1-Related; EDS I. Identifiers: MedGen C0268335, MONDO:0019567, OMIM 130000.

gnomAD v4.1: 4 of 1,612,832 alleles (0.00025%); highest among the groups gnomAD compares: Admixed American, 0.005%; no homozygotes.

Submission:

Labcorp Genetics (formerly Invitae), Labcorp
Classification: Uncertain significance for Ehlers-Danlos syndrome, classic type, 1. Last evaluated: 2025-11-11. Review status: criteria provided, single submitter. Criteria: Invitae Variant Classification Sherloc (09022015). Collection method: clinical testing. Allele origin: germline.
Comment: This sequence change replaces lysine, which is basic and polar, with arginine, which is basic and polar, at codon 1018 of the COL5A2 protein (p.Lys1018Arg). This variant is present in population databases (rs755236802, gnomAD 0.0009%). This variant has not been reported in the literature in individuals affected with COL5A2-related conditions. Invitae Evidence Modeling of protein sequence and biophysical properties (such as structural, functional, and spatial information, amino acid conservation, physicochemical variation, residue mobility, and thermodynamic stability) indicates that this missense variant is not expected to disrupt COL5A2 protein function with a negative predictive value of 80%. In summary, the available evidence is currently insufficient to determine the role of this variant in disease. Therefore, it has been classified as a Variant of Uncertain Significance.

NM_000393.5(COL5A2):c.3053A>G (p.Lys1018Arg)

Gene: COL5A2 (collagen type V alpha 2 chain; minus strand). Cytogenetic location: 2q32.2.
Variant type: single nucleotide variant.
Coding change: c.3053A>G on transcript NM_000393.5 (MANE Select); coding-DNA position 3053, A replaced by G.
Protein change: p.Lys1018Arg; replaces lysine 1018 with arginine.
Molecular consequence: missense variant.
Genome position (GRCh38, 1-based): chr2:189,049,441, T>C on the plus strand (A>G on the coding strand, the complement: COL5A2 is on the minus strand). VCF-style: chr2-189049441-T-C. GRCh37 (hg19) VCF-style: chr2-189914167-T-C.
Other names: short protein forms K1018R.
Identifiers: ClinVar variation 4766693 (VCV004766693.1).
Genomic context (GRCh38, chr2:189,049,441, plus strand): 5'-CCTGGGGGCCCCACAGGTCCAGGTGGACCTTTATCTCCTGTTGCACCAGTTGGTCCTACT[T>C]TTCCTGGTGTTCCCTGAAATAGAAGTATAAATGTCAAACACTTGTGAAGAAATTGAAGAA-3'
Protein context (NP_000384.2, residues 1008-1028): GLPGPAGTPG[Lys1018Arg]VGPTGATGDK